The following is an entry in ClinVar:

NM_001378452.1(ITPR1):c.8258A>G (p.Asn2753Ser)

Gene: ITPR1 (inositol 1,4,5-trisphosphate receptor type 1; plus strand). Cytogenetic location: 3p26.1.
Variant type: single nucleotide variant.
Coding change: c.8258A>G on transcript NM_001378452.1 (MANE Select); coding-DNA position 8258, A replaced by G.
Protein change: p.Asn2753Ser; replaces asparagine 2753 with serine.
Molecular consequence: missense variant.
Genome position (GRCh38, 1-based): chr3:4,846,206, A>G. VCF-style: chr3-4846206-A-G. GRCh37 (hg19) VCF-style: chr3-4887890-A-G.
Other names: c.8114A>G, p.Asn2705Ser (NM_001099952.4); c.8213A>G, p.Asn2738Ser (NM_001168272.2); c.8069A>G, p.Asn2690Ser (NM_002222.7); short protein forms N2690S, N2705S, N2738S, N2753S.
Identifiers: ClinVar variation 1310628 (VCV001310628.9), dbSNP rs762416053, ClinGen allele CA2233112.

ClinVar aggregate classification (germline): Uncertain significance. Review status: criteria provided, multiple submitters, no conflicts (2 of 4 stars). 3 submissions from 3 submitters: Uncertain significance (3). Last evaluated 2024-05-15.

Conditions:
Inborn genetic diseases. Identifiers: MedGen C0950123, MeSH D030342.

Allele frequency attached by ClinVar (database versions not stated): gnomAD 0.00001; gnomAD exomes 0.00001; TOPMed 0.00002.
gnomAD v4.1: 8 of 1,561,218 alleles (0.00051%); highest among the groups gnomAD compares: Non-Finnish European, 0.0007%; no homozygotes.

Submissions (3):

Ambry Genetics
Classification: Uncertain significance for Inborn genetic diseases. Last evaluated: 2024-05-15. Review status: criteria provided, single submitter. Criteria: Ambry Variant Classification Scheme 2023. Collection method: clinical testing. Allele origin: germline.

Labcorp Genetics (formerly Invitae), Labcorp
Classification: Uncertain significance. Last evaluated: 2022-06-23. Review status: criteria provided, single submitter. Criteria: Invitae Variant Classification Sherloc (09022015). Collection method: clinical testing. Allele origin: germline.
Comment: In summary, the available evidence is currently insufficient to determine the role of this variant in disease. Therefore, it has been classified as a Variant of Uncertain Significance. Algorithms developed to predict the effect of missense changes on protein structure and function are either unavailable or do not agree on the potential impact of this missense change (SIFT: "Tolerated"; PolyPhen-2: "Possibly Damaging"; Align-GVGD: "Class C0"). ClinVar contains an entry for this variant (Variation ID: 1310628). This variant has not been reported in the literature in individuals affected with ITPR1-related conditions. This variant is not present in population databases (gnomAD no frequency). This sequence change replaces asparagine, which is neutral and polar, with serine, which is neutral and polar, at codon 2690 of the ITPR1 protein (p.Asn2690Ser).

GeneDx
Classification: Uncertain significance. Last evaluated: 2019-11-30. Review status: criteria provided, single submitter. Criteria: GeneDx Variant Classification Process June 2021. Collection method: clinical testing. Allele origin: germline. Affected: yes.
Comment: In silico analysis, which includes protein predictors and evolutionary conservation, supports that this variant does not alter protein structure/function; Has not been previously published as pathogenic or benign to our knowledge